The following is an entry in ClinVar:

ClinVar aggregate classification (germline): Uncertain significance. Review status: criteria provided, multiple submitters, no conflicts (2 of 4 stars). 8 submissions from 6 submitters: Uncertain significance (8). Last evaluated 2025-11-01.

Conditions:
Cardiovascular phenotype. Identifiers: MedGen CN230736.
Dilated cardiomyopathy 1D. Identifiers: Orphanet 154, Orphanet 54260, MedGen C1832243, MONDO:0011095, OMIM 601494.
Hypertrophic cardiomyopathy 2. Also called: TNNT2-Related Familial Hypertrophic Cardiomyopathy. Identifiers: MedGen C1861864, MONDO:0007266, OMIM 115195.
Cardiomyopathy, familial restrictive, 3. Identifiers: Orphanet 75249, MedGen C2676271, MONDO:0012900, OMIM 612422.
Cardiomyopathy (CMYO). Also called: Cardiomyopathies. Identifiers: Orphanet 167848, MedGen C0878544, MONDO:0004994, HP:0001638. Inheritance: Various modes of inheritance.

Allele frequency attached by ClinVar (database versions not stated): TOPMed below 0.00001; gnomAD 0.00001.
gnomAD v4.1: 2 of 1,612,732 alleles (0.00012%); highest among the groups gnomAD compares: African/African-American, 0.0013%; no homozygotes.

Submissions (8):

CeGaT Center for Human Genetics Tuebingen
Classification: Uncertain significance. Last evaluated: 2025-11-01. Review status: criteria provided, single submitter. Criteria: CeGaT Center For Human Genetics Tuebingen Variant Classification Criteria Version 2. Collection method: clinical testing. Allele origin: germline. Affected: yes. Observed: 1 variant allele.
Comment: TNNT2: PM2, PS4:Moderate, PM1:Supporting

Ambry Genetics
Classification: Uncertain significance for Cardiovascular phenotype. Last evaluated: 2025-07-25. Review status: criteria provided, single submitter. Criteria: Ambry Variant Classification Scheme 2023. Collection method: clinical testing. Allele origin: germline.
Comment: The p.R148W variant (also known as c.442C>T), located in coding exon 9 of the TNNT2 gene, results from a C to T substitution at nucleotide position 442. The arginine at codon 148 is replaced by tryptophan, an amino acid with dissimilar properties. This variant has been reported in cardiomyopathy and dilated cardiomyopathy (DCM) cohorts (Hazebroek MR et al. Circ Heart Fail, 2018 Mar;11:e004682; Zhang XL et al. Sci Rep, 2020 Feb;10:2226). This variant was detected in a cardiomyopathy/arrhythmia genetic testing cohort; however, clinical details were limited, and additional cardiac variants were detected in some cases (van Lint FHM et al. Neth Heart J, 2019 Jun;27:304-309). This amino acid position is highly conserved in available vertebrate species. In addition, this alteration is predicted to be deleterious by in silico analysis. Based on the available evidence, the clinical significance of this variant remains unclear.

Labcorp Genetics (formerly Invitae), Labcorp
Classification: Uncertain significance for Cardiomyopathy, familial restrictive, 3; Hypertrophic cardiomyopathy 2; Dilated cardiomyopathy 1D. Last evaluated: 2025-06-22. Review status: criteria provided, single submitter. Criteria: Invitae Variant Classification Sherloc (09022015). Collection method: clinical testing. Allele origin: germline.
Comment: This sequence change replaces arginine, which is basic and polar, with tryptophan, which is neutral and slightly polar, at codon 148 of the TNNT2 protein (p.Arg148Trp). This variant is not present in population databases (gnomAD no frequency). This missense change has been observed in individual(s) with dilated cardiomyopathy (PMID: 29540472, 30847666, 32041989). ClinVar contains an entry for this variant (Variation ID: 181643). Invitae Evidence Modeling of protein sequence and biophysical properties (such as structural, functional, and spatial information, amino acid conservation, physicochemical variation, residue mobility, and thermodynamic stability) has been performed for this missense variant. However, the output from this modeling did not meet the statistical confidence thresholds required to predict the impact of this variant on TNNT2 protein function. In summary, the available evidence is currently insufficient to determine the role of this variant in disease. Therefore, it has been classified as a Variant of Uncertain Significance.

GeneDx
Classification: Uncertain significance. Last evaluated: 2023-07-14. Review status: criteria provided, single submitter. Criteria: GeneDx Variant Classification Process June 2021. Collection method: clinical testing. Allele origin: germline. Affected: yes.
Comment: Not observed at significant frequency in large population cohorts (gnomAD); In silico analysis supports that this missense variant has a deleterious effect on protein structure/function; This variant is associated with the following publications: (PMID: 32041989, 32880476, 29540472, 30847666)

Genome-Nilou Lab
Classification: Uncertain significance for Dilated cardiomyopathy 1D. Last evaluated: 2023-04-11. Review status: criteria provided, single submitter. Criteria: ACMG Guidelines, 2015. Collection method: clinical testing. Allele origin: germline. Affected: no.

Genome-Nilou Lab
Classification: Uncertain significance for Cardiomyopathy, familial restrictive, 3. Last evaluated: 2023-04-11. Review status: criteria provided, single submitter. Criteria: ACMG Guidelines, 2015. Collection method: clinical testing. Allele origin: germline. Affected: no.

Genome-Nilou Lab
Classification: Uncertain significance for Hypertrophic cardiomyopathy 2. Last evaluated: 2023-04-11. Review status: criteria provided, single submitter. Criteria: ACMG Guidelines, 2015. Collection method: clinical testing. Allele origin: germline. Affected: no.

Color Diagnostics, LLC DBA Color Health
Classification: Uncertain significance for Cardiomyopathy. Last evaluated: 2020-03-09. Review status: criteria provided, single submitter. Criteria: ACMG Guidelines, 2015. Collection method: clinical testing. Allele origin: germline.
Comment: This missense variant replaces arginine with tryptophan at codon 148 of the TNNT2 protein. Computational prediction suggests that this variant may have deleterious impact on protein structure and function (internally defined REVEL score threshold >= 0.7, PMID: 27666373). To our knowledge, functional studies have not been reported for this variant. This variant has not been reported in individuals affected with cardiovascular disorders in the literature. This variant has not been identified in the general population by the Genome Aggregation Database (gnomAD). The available evidence is insufficient to determine the role of this variant in disease conclusively. Therefore, this variant is classified as a Variant of Uncertain Significance.

Literature cited by the submitters: PubMed 29540472 (cited by Ambry Genetics and Labcorp Genetics (formerly Invitae), Labcorp); PubMed 30847666 (cited by Ambry Genetics and Labcorp Genetics (formerly Invitae), Labcorp); PubMed 32041989 (cited by Ambry Genetics and Labcorp Genetics (formerly Invitae), Labcorp).

NM_001276345.2(TNNT2):c.472C>T (p.Arg158Trp)

Gene: TNNT2 (troponin T2, cardiac type; minus strand). Cytogenetic location: 1q32.1.
Variant type: single nucleotide variant.
Coding change: c.472C>T on transcript NM_001276345.2 (MANE Select); coding-DNA position 472, C replaced by T.
Protein change: p.Arg158Trp; replaces arginine 158 with tryptophan.
Molecular consequence: missense variant.
Genome position (GRCh38, 1-based): chr1:201,364,315, G>A on the plus strand (C>T on the coding strand, the complement: TNNT2 is on the minus strand). VCF-style: chr1-201364315-G-A. GRCh37 (hg19) VCF-style: chr1-201333443-G-A.
Other names: p.R148W:CGG>TGG; c.472C>T, p.Arg158Trp (NM_000364.4); c.442C>T, p.Arg148Trp (NM_001001430.3, NM_001001431.3, NM_001276347.2); c.427C>T, p.Arg143Trp (NM_001001432.3); c.352C>T, p.Arg118Trp (NM_001276346.2); short protein forms R148W, R158W, R118W, R143W.
Identifiers: ClinVar variation 181643 (VCV000181643.22), dbSNP rs730881123, ClinGen allele CA004562.
Genomic context (GRCh38, chr1:201,364,315, plus strand): 5'-GAGCATGGGGGGCCTCCATGGGCCTGGGCTAGGGGTCACTCACAGCCAGGCGGTTCTGCC[G>A]CTCCTTCTCCCGCTCATTCCGGATGCGCTGCTGCTCGGCCCGCTCTGCCCGACGTCTCTC-3'
Protein context (NP_001263274.1, residues 148-168): QRIRNEREKE[Arg158Trp]QNRLAEERAR